The following is an entry in ClinVar:

ClinVar aggregate classification (germline): Likely pathogenic (1 of 4 stars; one submission).

Conditions:
Dilated cardiomyopathy 1G (CMD1G). Identifiers: Orphanet 154, MedGen C1858763, MONDO:0011400, OMIM 604145.
Autosomal recessive limb-girdle muscular dystrophy type 2J (LGMDR10). Also called: Limb-girdle muscular dystrophy, type 2J; MUSCULAR DYSTROPHY, LIMB-GIRDLE, AUTOSOMAL RECESSIVE 10. Identifiers: Orphanet 140922, MedGen C1837342, MONDO:0012127, OMIM 608807.

Submission:

Labcorp Genetics (formerly Invitae), Labcorp
Classification: Likely pathogenic for Dilated cardiomyopathy 1G; Autosomal recessive limb-girdle muscular dystrophy type 2J. Last evaluated: 2024-12-18. Review status: criteria provided, single submitter. Criteria: Invitae Variant Classification Sherloc (09022015). Collection method: clinical testing. Allele origin: germline.
Comment: This sequence change creates a premature translational stop signal (p.Thr27918*) in the TTN gene. While this is not anticipated to result in nonsense mediated decay, it is expected to create a truncated TTN protein. This variant is not present in population databases (gnomAD no frequency). This premature translational stop signal has been observed in individual(s) with dilated cardiomyopathy (internal data). This variant is located in the A band of TTN (PMID: 25589632). Truncating variants in this region are significantly overrepresented in patients affected with dilated cardiomyopathy (PMID: 25589632). Truncating variants in this region have also been reported in individuals affected with autosomal recessive centronuclear myopathy (PMID: 23975875). In summary, the currently available evidence indicates that the variant is pathogenic, but additional data are needed to prove that conclusively. Therefore, this variant has been classified as Likely Pathogenic.

Literature cited by the submitters: PubMed 25589632; PubMed 23975875.

NM_001267550.2(TTN):c.83748_83751dup (p.Thr27918Ter)

Genes: TTN (titin; minus strand), TTN-AS1 (TTN antisense RNA 1; plus strand). Cytogenetic location: 2q31.2.
Variant type: Duplication.
Coding change: c.83748_83751dup on transcript NM_001267550.2 (MANE Select); coding-DNA positions 83748 to 83751, 4 bases duplicated (TAAG; older notation c.83748_83751dupTAAG).
Protein change: p.Thr27918Ter; replaces threonine 27918 with a stop codon.
Molecular consequence: nonsense.
Genome position (GRCh38, 1-based): chr2:178,562,381-178,562,384, CTTA duplicated on the plus strand (TAAG on the coding strand, the reverse complement: TTN is on the minus strand). VCF-style (leftmost placement, unchanged base first): chr2-178562380-T-TCTTA. GRCh37 (hg19) VCF-style: chr2-179427107-T-TCTTA.
Other names: c.78825_78828dup, p.Thr26277Ter (NM_001256850.1); c.56553_56556dup, p.Thr18853Ter (NM_003319.4); c.76044_76047dup, p.Thr25350Ter (NM_133378.4); c.56928_56931dup, p.Thr18978Ter (NM_133432.3); c.57129_57132dup, p.Thr19045Ter (NM_133437.4); short protein forms T18853*, T18978*, T19045*, T25350*, T26277*, T27918*.
Identifiers: ClinVar variation 3759835 (VCV003759835.2).